The following is an entry in ClinVar:

NM_001372.4(DNAH9):c.5380A>T (p.Ile1794Phe)

Gene: DNAH9 (dynein axonemal heavy chain 9; plus strand). Cytogenetic location: 17p12.
Variant type: single nucleotide variant.
Coding change: c.5380A>T on transcript NM_001372.4 (MANE Select); coding-DNA position 5380, A replaced by T.
Protein change: p.Ile1794Phe; replaces isoleucine 1794 with phenylalanine.
Molecular consequence: missense variant.
Genome position (GRCh38, 1-based): chr17:11,704,431, A>T. VCF-style: chr17-11704431-A-T. GRCh37 (hg19) VCF-style: chr17-11607748-A-T.
Other names: c.5380A>T (NM_001372.3); short protein forms I1794F.
Identifiers: ClinVar variation 1472415 (VCV001472415.6), dbSNP rs746709268, ClinGen allele CA8395979.

ClinVar aggregate classification (germline): Uncertain significance. Review status: criteria provided, multiple submitters, no conflicts (2 of 4 stars). 3 submissions from 3 submitters: Uncertain significance (3). Last evaluated 2025-06-03.

Conditions:
Inborn genetic diseases. Identifiers: MedGen C0950123, MeSH D030342.

Allele frequency attached by ClinVar (database versions not stated): gnomAD exomes 0.00001 and 0.00002; TOPMed below 0.00001; ExAC 0.00003.
gnomAD v4.1: 25 of 1,613,030 alleles (0.0015%); highest among the groups gnomAD compares: South Asian, 0.0033%; no homozygotes.

Submissions (3):

Ambry Genetics
Classification: Uncertain significance for Inborn genetic diseases. Last evaluated: 2025-06-03. Review status: criteria provided, single submitter. Criteria: Ambry Variant Classification Scheme 2023. Collection method: clinical testing. Allele origin: germline.

GeneDx
Classification: Uncertain significance. Last evaluated: 2024-05-02. Review status: criteria provided, single submitter. Criteria: GeneDx Variant Classification Process June 2021. Collection method: clinical testing. Allele origin: germline. Affected: yes.
Comment: In silico analysis supports that this missense variant has a deleterious effect on protein structure/function; Has not been previously published as pathogenic or benign to our knowledge

Labcorp Genetics (formerly Invitae), Labcorp
Classification: Uncertain significance. Last evaluated: 2022-05-04. Review status: criteria provided, single submitter. Criteria: Invitae Variant Classification Sherloc (09022015). Collection method: clinical testing. Allele origin: germline.
Comment: In summary, the available evidence is currently insufficient to determine the role of this variant in disease. Therefore, it has been classified as a Variant of Uncertain Significance. Algorithms developed to predict the effect of missense changes on protein structure and function are either unavailable or do not agree on the potential impact of this missense change (SIFT: "Deleterious"; PolyPhen-2: "Probably Damaging"; Align-GVGD: "Class C0"). This variant has not been reported in the literature in individuals affected with DNAH9-related conditions. This variant is present in population databases (rs746709268, gnomAD 0.007%). This sequence change replaces isoleucine, which is neutral and non-polar, with phenylalanine, which is neutral and non-polar, at codon 1794 of the DNAH9 protein (p.Ile1794Phe).